The following is an entry in ClinVar:

NM_000059.4(BRCA2):c.200G>C (p.Arg67Thr)

Gene: BRCA2 (BRCA2 DNA repair associated; plus strand). Cytogenetic location: 13q13.1.
Variant type: single nucleotide variant.
Coding change: c.200G>C on transcript NM_000059.4 (MANE Select); coding-DNA position 200, G replaced by C.
Protein change: p.Arg67Thr; replaces arginine 67 with threonine.
Molecular consequence: missense variant.
Genome position (GRCh38, 1-based): chr13:32,319,209, G>C. VCF-style: chr13-32319209-G-C. GRCh37 (hg19) VCF-style: chr13-32893346-G-C.
Other names: short protein forms R67T.
Identifiers: ClinVar variation 438957 (VCV000438957.16), dbSNP rs1239929428, ClinGen allele CA387754390.
Genomic context (GRCh38, chr13:32,319,209, plus strand): 5'-CAGAAGAATCTGAACATAAAAACAACAATTACGAACCAAACCTATTTAAAACTCCACAAA[G>C]GAAACCATCTTATAATCAGCTGGCTTCAACTCCAATAATATTCAAAGAGCAAGGGCTGAC-3'
Protein context (NP_000050.3, residues 57-77): YEPNLFKTPQ[Arg67Thr]KPSYNQLAST

ClinVar aggregate classification (germline): Uncertain significance. Review status: criteria provided, multiple submitters, no conflicts (2 of 4 stars). 5 submissions from 5 submitters: Uncertain significance (5). Last evaluated 2025-06-12.

Conditions:
Hereditary cancer-predisposing syndrome. Also called: Hereditary neoplastic syndrome; Hereditary Cancer Syndrome; Tumor predisposition; Neoplastic Syndromes, Hereditary. Identifiers: Orphanet 140162, MedGen C0027672, MeSH D009386, MONDO:0015356.
Hereditary breast ovarian cancer syndrome. Also called: Breast and ovarian cancer; Hereditary breast and ovarian cancer; BRCA1- and BRCA2-Associated Hereditary Breast and Ovarian Cancer; Hereditary breast and/or ovarian cancer syndrome; Hereditary breast and ovarian cancer syndrome; Hereditary breast and ovarian cancer syndrome (HBOC). Identifiers: Orphanet 145, MedGen C0677776, MeSH D061325, MONDO:0003582. Disease mechanism: loss of function.

Allele frequency attached by ClinVar (database versions not stated): gnomAD exomes below 0.00001; TOPMed below 0.00001.

Submissions (5):

Labcorp Genetics (formerly Invitae), Labcorp
Classification: Uncertain significance for Hereditary breast ovarian cancer syndrome. Last evaluated: 2025-06-12. Review status: criteria provided, single submitter. Criteria: Invitae Variant Classification Sherloc (09022015). Collection method: clinical testing. Allele origin: germline.
Comment: This sequence change replaces arginine, which is basic and polar, with threonine, which is neutral and polar, at codon 67 of the BRCA2 protein (p.Arg67Thr). This variant is present in population databases (no rsID available, gnomAD 0.003%). This variant has not been reported in the literature in individuals affected with BRCA2-related conditions. ClinVar contains an entry for this variant (Variation ID: 438957). Invitae Evidence Modeling of protein sequence and biophysical properties (such as structural, functional, and spatial information, amino acid conservation, physicochemical variation, residue mobility, and thermodynamic stability) indicates that this missense variant is not expected to disrupt BRCA2 protein function with a negative predictive value of 95%. In summary, the available evidence is currently insufficient to determine the role of this variant in disease. Therefore, it has been classified as a Variant of Uncertain Significance.

Ambry Genetics
Classification: Uncertain significance for Hereditary cancer-predisposing syndrome. Last evaluated: 2024-07-29. Review status: criteria provided, single submitter. Criteria: Ambry Variant Classification Scheme 2023. Collection method: clinical testing. Allele origin: germline.
Comment: The p.R67T variant (also known as c.200G>C), located in coding exon 2 of the BRCA2 gene, results from a G to C substitution at nucleotide position 200. The arginine at codon 67 is replaced by threonine, an amino acid with similar properties. This amino acid position is well conserved in available vertebrate species. In addition, this alteration is predicted to be tolerated by in silico analysis. Based on the available evidence, the clinical significance of this variant remains unclear.

Quest Diagnostics Nichols Institute San Juan Capistrano
Classification: Uncertain significance. Last evaluated: 2022-11-04. Review status: criteria provided, single submitter. Criteria: Quest Diagnostics criteria. Collection method: clinical testing. Allele origin: unknown.
Comment: The variant has not been reported in the published literature. The frequency of this variant in the general population, 0.000004 (1/251382 chromosomes), is uninformative in assessment of its pathogenicity. Analysis of this variant using bioinformatics tools for the prediction of the effect of amino acid changes on protein structure and function yielded predictions that this variant is benign. Based on the available information, we are unable to determine the clinical significance of this variant.

Color Diagnostics, LLC DBA Color Health
Classification: Uncertain significance for Hereditary cancer-predisposing syndrome. Last evaluated: 2021-06-09. Review status: criteria provided, single submitter. Criteria: ACMG Guidelines, 2015. Collection method: clinical testing. Allele origin: germline.
Comment: This missense variant replaces arginine with threonine at codon 67 of the BRCA2 protein. Computational prediction suggests that this variant may not impact protein structure and function (internally defined REVEL score threshold <= 0.5, PMID: 27666373). To our knowledge, functional studies have not been reported for this variant. This variant has not been reported in individuals affected with hereditary cancer in the literature. This variant has been identified in 1/251382 chromosomes in the general population by the Genome Aggregation Database (gnomAD). The available evidence is insufficient to determine the role of this variant in disease conclusively. Therefore, this variant is classified as a Variant of Uncertain Significance.

Women's Health and Genetics/Laboratory Corporation of America, LabCorp
Classification: Uncertain significance. Last evaluated: 2019-07-24. Review status: criteria provided, single submitter. Criteria: LabCorp Variant Classification Summary - May 2015. Collection method: clinical testing. Allele origin: germline.
Comment: Variant summary: BRCA2 c.200G>C (p.Arg67Thr) results in a non-conservative amino acid change in the encoded protein sequence. Three of five in-silico tools predict a benign effect of the variant on protein function. The variant allele was found at a frequency of 4e-06 in 251382 control chromosomes. The available data on variant occurrences in the general population are insufficient to allow any conclusion about variant significance. To our knowledge, no occurrence of c.200G>C in individuals affected with Hereditary Breast and Ovarian Cancer and no experimental evidence demonstrating its impact on protein function have been reported. Three clinical diagnostic laboratories have submitted clinical-significance assessments for this variant to ClinVar (after 2014) of uncertain significance. Based on the evidence outlined above, the variant was classified as uncertain significance.